The following is an entry in ClinVar:

ClinVar aggregate classification (germline): Uncertain significance (1 of 4 stars; one submission).

Conditions:
Epilepsy, idiopathic generalized, susceptibility to, 14 (EIG14). Identifiers: MedGen C4225245, MONDO:0014734, OMIM 616685.

Submission:

Diagnostics Services (NGS), CSIR - Centre For Cellular And Molecular Biology
Classification: Uncertain significance for Epilepsy, idiopathic generalized, susceptibility to, 14. Last evaluated: 2026-05-22. Review status: criteria provided, single submitter. Criteria: ACMG Guidelines, 2015. Collection method: clinical testing. Allele origin: germline. Observed: 1 variant allele, 1 heterozygote.
Comment: The c.2783G>A variant is not present in publicly available population databases like 1000 Genomes, EVS, Indian Exome Database or in our internal database. The variant is present in gnomAD at a low frequency. This variant has neither been published in the literature for SLC12A5-related conditions nor reported to clinical databases like Human Genome Mutation database (HGMD), OMIM, or ClinVar in any affected individuals. In-silico pathogenicity prediction programs like Polyphen-2, MutationTaster2, CADD, etc predicted this variant to be likely deleterious, however these predictions were not confirmed by published functional studies.

NM_020708.5(SLC12A5):c.2783G>A (p.Arg928Gln)

Gene: SLC12A5 (solute carrier family 12 member 5; plus strand). Cytogenetic location: 20q13.12.
Variant type: single nucleotide variant.
Coding change: c.2783G>A on transcript NM_020708.5 (MANE Select); coding-DNA position 2783, G replaced by A.
Protein change: p.Arg928Gln; replaces arginine 928 with glutamine.
Molecular consequence: missense variant.
Genome position (GRCh38, 1-based): chr20:46,055,019, G>A. VCF-style: chr20-46055019-G-A. GRCh37 (hg19) VCF-style: chr20-44683658-G-A.
Other names: c.2852G>A, p.Arg951Gln (NM_001134771.2); short protein forms R928Q, R951Q.
Identifiers: ClinVar variation 4852781 (VCV004852781.1).